The following is an entry in ClinVar:

ClinVar aggregate classification (germline): Likely pathogenic (1 of 4 stars; one submission).

Conditions:
ACTB-related disorder. Also called: ACTB-related disorders; ACTB-related condition.

Submission:

Illumina Laboratory Services, Illumina
Classification: Likely pathogenic for ACTB-related disorders. Last evaluated: 2019-07-30. Review status: criteria provided, single submitter. Criteria: ICSLVariantClassificationCriteria RUGD 01 April 2020. Collection method: clinical testing. Allele origin: unknown.
Comment: The ACTB c.547C>G (p.Arg183Gly) variant is a missense variant. A literature search was performed for the gene, cDNA change, and amino acid change. No publications were found based on this search. This variant is not found in the Genome Aggregation Database in a region of good sequence coverage, so the variant is presumed to be rare. A different variant affecting the same amino acid residue, p.Arg183Trp, has been reported in at least seven individuals with dystonia, hearing loss and variable additional features (Skogseid et al. 2018). Based on the identification of the variant in a de novo state, its rarity, and literature evidence, the p.Arg183Gly variant is classified as likely pathogenic for ACTB-related disorders.

Literature cited by the submitters: PubMed 29788902.

NM_001101.5(ACTB):c.547C>G (p.Arg183Gly)

Gene: ACTB (actin beta; minus strand). Cytogenetic location: 7p22.1.
Variant type: single nucleotide variant.
Coding change: c.547C>G on transcript NM_001101.5 (MANE Select); coding-DNA position 547, C replaced by G.
Protein change: p.Arg183Gly; replaces arginine 183 with glycine.
Molecular consequence: missense variant.
Genome position (GRCh38, 1-based): chr7:5,528,536, G>C on the plus strand (C>G on the coding strand, the complement: ACTB is on the minus strand). VCF-style: chr7-5528536-G-C. GRCh37 (hg19) VCF-style: chr7-5568167-G-C.
Other names: short protein forms R183G.
Identifiers: ClinVar variation 989344 (VCV000989344.4), dbSNP rs104894003, ClinGen allele CA366702948.